The following is an entry in ClinVar:

NM_000516.7(GNAS):c.257+968T>C

Gene: GNAS (GNAS complex locus; plus strand). Cytogenetic location: 20q13.32.
Variant type: single nucleotide variant.
Coding change: c.257+968T>C on transcript NM_000516.7 (MANE Select); 968 bases into the intron after coding-DNA position 257, T replaced by C.
Molecular consequence: intron variant. On other transcripts: stop lost (1), 3 prime UTR variant (1), non-coding transcript variant (2).
Genome position (GRCh38, 1-based): chr20:58,899,953, T>C. VCF-style: chr20-58899953-T-C. GRCh37 (hg19) VCF-style: chr20-57475008-T-C.
Other names: c.262T>C, p.Ter88Gln (NM_001309842.2); c.*281T>C (NM_001309883.1); c.*160+968T>C (NM_016592.5); c.161+968T>C (NM_001410912.1); c.80+968T>C (NM_001309861.2, NM_001439291.1, NM_001309840.2 and 1 more transcripts); c.*118+968T>C (NM_001077490.3); c.2186+968T>C (NM_080425.4); c.2142-3578T>C (NM_001410913.1); and 4 more.
Identifiers: ClinVar variation 4994641 (VCV004994641.1).
Genomic context (GRCh38, chr20:58,899,953, plus strand): 5'-TATTGGGGTCTGGGGACAAAGTAACTGACACATGTTTGTTCATCTGTTTCTTTTAGAATA[T>C]AATATCCCTAGATGATGGCTACAGTTTCTCATCTTCCCGGCTATGTCCTATCACAATTTG-3'

ClinVar aggregate classification (germline): Uncertain significance (1 of 4 stars; one submission).

Conditions:
GNAS-related disorder. Identifiers: MedGen CN380105.

gnomAD v4.1: 3 of 717,776 alleles (0.00042%); highest among the groups gnomAD compares: South Asian, 0.003%; no homozygotes.

Submission:

PreventionGenetics, part of Exact Sciences
Classification: Uncertain significance for GNAS-related condition. Last evaluated: 2026-05-11. Review status: criteria provided, single submitter. Criteria: ACMG Guidelines, 2015. Collection method: clinical testing. Allele origin: germline.
Comment: The GNAS c.262T>C variant is predicted to result in extension of the open reading frame (p.*88Glnext*3). To our knowledge, this variant has not been reported in the literature or in a large population database (gnomAD), indicating this variant is rare. In the primary GNAS transcript this variant corresponds to a deep intronic position (NM_000516:c.257+968T>C). At this time, the clinical significance of this variant is uncertain due to the absence of conclusive functional and genetic evidence.